The following is an entry in ClinVar:

NM_001085049.3(MRAS):c.232C>T (p.Arg78Trp)

Gene: MRAS (muscle RAS oncogene homolog; plus strand). Cytogenetic location: 3q22.3.
Variant type: single nucleotide variant.
Coding change: c.232C>T on transcript NM_001085049.3 (MANE Select); coding-DNA position 232, C replaced by T.
Protein change: p.Arg78Trp; replaces arginine 78 with tryptophan.
Molecular consequence: missense variant.
Genome position (GRCh38, 1-based): chr3:138,397,362, C>T. VCF-style: chr3-138397362-C-T. GRCh37 (hg19) VCF-style: chr3-138116204-C-T.
Other names: c.232C>T, p.Arg78Trp (NM_001252090.2, NM_012219.4); c.4C>T, p.Arg2Trp (NM_001252091.1, NM_001252092.2, NM_001252093.2); short protein forms R2W, R78W.
Identifiers: ClinVar variation 3005145 (VCV003005145.3), dbSNP rs752073267, ClinGen allele CA2636959.

ClinVar aggregate classification (germline): Uncertain significance (1 of 4 stars; one submission).

Allele frequency attached by ClinVar (database versions not stated): ExAC 0.00001.
gnomAD v4.1: 3 of 1,614,074 alleles (0.00019%); highest among the groups gnomAD compares: African/African-American, 0.0013%; no homozygotes.

Submission:

Labcorp Genetics (formerly Invitae), Labcorp
Classification: Uncertain significance. Last evaluated: 2023-09-08. Review status: criteria provided, single submitter. Criteria: Invitae Variant Classification Sherloc (09022015). Collection method: clinical testing. Allele origin: germline.
Comment: In summary, the available evidence is currently insufficient to determine the role of this variant in disease. Therefore, it has been classified as a Variant of Uncertain Significance. An algorithm developed to predict the effect of missense changes on protein structure and function (PolyPhen-2) suggests that this variant is likely to be disruptive. This variant has not been reported in the literature in individuals affected with MRAS-related conditions. This variant is present in population databases (rs752073267, gnomAD 0.0009%). This sequence change replaces arginine, which is basic and polar, with tryptophan, which is neutral and slightly polar, at codon 78 of the MRAS protein (p.Arg78Trp).